The following is an entry in ClinVar:

NM_182914.3(SYNE2):c.*696A>G

Gene: SYNE2 (spectrin repeat containing nuclear envelope protein 2; plus strand). Cytogenetic location: 14q23.2.
Variant type: single nucleotide variant.
Coding change: c.*696A>G on transcript NM_182914.3 (MANE Select); 696 bases downstream of the stop codon, A replaced by G.
Molecular consequence: 3 prime UTR variant.
Genome position (GRCh38, 1-based): chr14:64,226,222, A>G. VCF-style: chr14-64226222-A-G. GRCh37 (hg19) VCF-style: chr14-64692940-A-G.
Other names: c.*696A>G (NM_015180.6, NM_182910.2, NM_182913.4).
Identifiers: ClinVar variation 313689 (VCV000313689.5), dbSNP rs184175256, ClinGen allele CA10645675.

ClinVar aggregate classification (germline): Benign (1 of 4 stars; one submission).

Conditions:
Emery-Dreifuss muscular dystrophy 5, autosomal dominant (EDMD5). Also called: EMERY-DREIFUSS MUSCULAR DYSTROPHY 5. Identifiers: Orphanet 261, MedGen C2751805, MONDO:0013072, OMIM 612999.

Allele frequency attached by ClinVar (database versions not stated): TOPMed 0.00006; gnomAD 0.00011 and 0.00013; 1000 Genomes Project 0.00040.
gnomAD v4.1: 21 of 152,652 alleles (0.014%); highest among the groups gnomAD compares: East Asian, 0.33%; no homozygotes.

Submission:

Illumina Laboratory Services, Illumina
Classification: Benign for Emery-Dreifuss muscular dystrophy 5, autosomal dominant. Last evaluated: 2018-01-13. Review status: criteria provided, single submitter. Criteria: ICSL Variant Classification Criteria 13 December 2019. Collection method: clinical testing. Allele origin: germline.
Comment: This variant was observed in the ICSL laboratory as part of a predisposition screen in an ostensibly healthy population. It had not been previously curated by ICSL or reported in the Human Gene Mutation Database (HGMD: prior to June 1st, 2018), and was therefore a candidate for classification through an automated scoring system. Utilizing variant allele frequency, disease prevalence and penetrance estimates, and inheritance mode, an automated score was calculated to assess if this variant is too frequent to cause the disease. Based on the score and internal cut-off values, a variant classified as benign is not then subjected to further curation. The score for this variant resulted in a classification of benign for this disease.